The following is an entry in ClinVar:

ClinVar aggregate classification (germline): Uncertain significance (1 of 4 stars; one submission).

Submission:

GeneDx
Classification: Uncertain significance. Last evaluated: 2023-07-18. Review status: criteria provided, single submitter. Criteria: GeneDx Variant Classification Process June 2021. Collection method: clinical testing. Allele origin: germline. Affected: yes.
Comment: Not observed at significant frequency in large population cohorts (gnomAD); In-frame deletion of 12 amino acids in a non-repeat region; In silico analysis supports that this variant does not alter protein structure/function; Has not been previously published as pathogenic or benign to our knowledge

NM_003107.3(SOX4):c.703_738del (p.Ala235_Ala246del)

Gene: SOX4 (SRY-box transcription factor 4; plus strand). Cytogenetic location: 6p22.3.
Variant type: Deletion.
Coding change: c.703_738del on transcript NM_003107.3 (MANE Select); coding-DNA positions 703 to 738, 36 bases deleted.
Protein change: p.Ala235_Ala246del.
Genome position (GRCh38, 1-based): chr6:21,595,237-21,595,272, 36 bases deleted; deleting any 36 consecutive bases within chr6:21,595,228-21,595,272 gives the same sequence; the c. name uses the placement nearest the transcript's 3' end. GRCh37 (hg19): chr6:21,595,468-21,595,503.
Identifiers: ClinVar variation 3361098 (VCV003361098.1).